The following is an entry in ClinVar:

NM_001004356.3(FGFRL1):c.13C>T (p.Pro5Ser)

Gene: FGFRL1 (fibroblast growth factor receptor like 1; plus strand). Cytogenetic location: 4p16.3.
Variant type: single nucleotide variant.
Coding change: c.13C>T on transcript NM_001004356.3 (MANE Select); coding-DNA position 13, C replaced by T.
Protein change: p.Pro5Ser; replaces proline 5 with serine.
Molecular consequence: missense variant.
Genome position (GRCh38, 1-based): chr4:1,012,498, C>T. VCF-style: chr4-1012498-C-T. GRCh37 (hg19) VCF-style: chr4-1006286-C-T.
Other names: c.13C>T, p.Pro5Ser (NM_001004358.1, NM_001370296.1, NM_021923.3); c.13C>T (NM_001004356.2); short protein forms P5S.
Identifiers: ClinVar variation 1509889 (VCV001509889.31), dbSNP rs575630622, ClinGen allele CA2802528.

ClinVar aggregate classification (germline): Uncertain significance. Review status: criteria provided, multiple submitters, no conflicts (2 of 4 stars). 3 submissions from 3 submitters: Uncertain significance (3). Last evaluated 2025-02-16.

Allele frequency attached by ClinVar (database versions not stated): TOPMed 0.00001; gnomAD 0.00004; 1000 Genomes Project 30x 0.00016; 1000 Genomes Project 0.00020; ExAC 0.00024.

Submissions (3):

Labcorp Genetics (formerly Invitae), Labcorp
Classification: Uncertain significance. Last evaluated: 2025-02-16. Review status: criteria provided, single submitter. Criteria: Invitae Variant Classification Sherloc (09022015). Collection method: clinical testing. Allele origin: germline.
Comment: This sequence change replaces proline, which is neutral and non-polar, with serine, which is neutral and polar, at codon 5 of the FGFRL1 protein (p.Pro5Ser). This variant is present in population databases (rs575630622, gnomAD 0.1%), and has an allele count higher than expected for a pathogenic variant. This variant has not been reported in the literature in individuals affected with FGFRL1-related conditions. ClinVar contains an entry for this variant (Variation ID: 1509889). Experimental studies and prediction algorithms are not available or were not evaluated, and the functional significance of this variant is currently unknown. In summary, the available evidence is currently insufficient to determine the role of this variant in disease. Therefore, it has been classified as a Variant of Uncertain Significance.

CeGaT Center for Human Genetics Tuebingen
Classification: Uncertain significance. Last evaluated: 2023-10-01. Review status: criteria provided, single submitter. Criteria: CeGaT Center For Human Genetics Tuebingen Variant Classification Criteria Version 2. Collection method: clinical testing. Allele origin: germline. Affected: yes. Observed: 1 variant allele.

Ambry Genetics
Classification: Uncertain significance. Last evaluated: 2023-07-11. Review status: criteria provided, single submitter. Criteria: Ambry Variant Classification Scheme 2023. Collection method: clinical testing. Allele origin: germline.